The following is an entry in ClinVar:

NM_014874.4(MFN2):c.318C>G (p.Ser106Arg)

Gene: MFN2 (mitofusin 2; plus strand). Cytogenetic location: 1p36.22.
Variant type: single nucleotide variant.
Coding change: c.318C>G on transcript NM_014874.4 (MANE Select); coding-DNA position 318, C replaced by G.
Protein change: p.Ser106Arg; replaces serine 106 with arginine.
Molecular consequence: missense variant.
Genome position (GRCh38, 1-based): chr1:11,996,162, C>G. VCF-style: chr1-11996162-C-G. GRCh37 (hg19) VCF-style: chr1-12056219-C-G.
Other names: c.318C>G, p.Ser106Arg (NM_001127660.2); short protein forms S106R.
Identifiers: ClinVar variation 476771 (VCV000476771.10), dbSNP rs778937659, ClinGen allele CA338433854.

ClinVar aggregate classification (germline): Pathogenic (1 of 4 stars; one submission).

Conditions:
Charcot-Marie-Tooth disease type 2. Also called: Charcot-Marie-Tooth type 2. Identifiers: Orphanet 64746, MedGen C0270914, MONDO:0018993.

Submission:

Labcorp Genetics (formerly Invitae), Labcorp
Classification: Pathogenic for Charcot-Marie-Tooth disease type 2. Last evaluated: 2022-02-04. Review status: criteria provided, single submitter. Criteria: Invitae Variant Classification Sherloc (09022015). Collection method: clinical testing. Allele origin: germline.
Comment: This sequence change replaces serine, which is neutral and polar, with arginine, which is basic and polar, at codon 106 of the MFN2 protein (p.Ser106Arg). This variant is not present in population databases (gnomAD no frequency). This missense change has been observed in individuals with autosomal dominant Charcot-Marie-Tooth disease (PMID: 28286897; Invitae). ClinVar contains an entry for this variant (Variation ID: 476771). Advanced modeling of protein sequence and biophysical properties (such as structural, functional, and spatial information, amino acid conservation, physicochemical variation, residue mobility, and thermodynamic stability) performed at Invitae indicates that this missense variant is expected to disrupt MFN2 protein function. For these reasons, this variant has been classified as Pathogenic.

Literature cited by the submitters: PubMed 28286897.